The following is an entry in ClinVar:

NM_031935.3(HMCN1):c.7178C>T (p.Pro2393Leu)

Gene: HMCN1 (hemicentin 1; plus strand). Cytogenetic location: 1q31.1.
Variant type: single nucleotide variant.
Coding change: c.7178C>T on transcript NM_031935.3 (MANE Select); coding-DNA position 7178, C replaced by T.
Protein change: p.Pro2393Leu; replaces proline 2393 with leucine.
Molecular consequence: missense variant.
Genome position (GRCh38, 1-based): chr1:186,057,267, C>T. VCF-style: chr1-186057267-C-T. GRCh37 (hg19) VCF-style: chr1-186026399-C-T.
Other names: short protein forms P2393L.
Identifiers: ClinVar variation 2807212 (VCV002807212.3), dbSNP rs747465155, ClinGen allele CA343903473.

ClinVar aggregate classification (germline): Uncertain significance (1 of 4 stars; one submission).

Submission:

Labcorp Genetics (formerly Invitae), Labcorp
Classification: Uncertain significance. Last evaluated: 2023-08-05. Review status: criteria provided, single submitter. Criteria: Invitae Variant Classification Sherloc (09022015). Collection method: clinical testing. Allele origin: germline.
Comment: This sequence change replaces proline, which is neutral and non-polar, with leucine, which is neutral and non-polar, at codon 2393 of the HMCN1 protein (p.Pro2393Leu). This variant is not present in population databases (gnomAD no frequency). This variant has not been reported in the literature in individuals affected with HMCN1-related conditions. An algorithm developed to predict the effect of missense changes on protein structure and function (PolyPhen-2) suggests that this variant is likely to be disruptive. In summary, the available evidence is currently insufficient to determine the role of this variant in disease. Therefore, it has been classified as a Variant of Uncertain Significance.